The following is an entry in ClinVar:

NM_001605.3(AARS1):c.2274C>G (p.Ala758=)

Gene: AARS1 (alanyl-tRNA synthetase 1; minus strand). Cytogenetic location: 16q22.1.
Variant type: single nucleotide variant.
Coding change: c.2274C>G on transcript NM_001605.3 (MANE Select); coding-DNA position 2274, C replaced by G.
Protein change: p.Ala758=; no amino-acid change (alanine 758 retained).
Molecular consequence: synonymous variant.
Genome position (GRCh38, 1-based): chr16:70,255,740, G>C on the plus strand (C>G on the coding strand, the complement: AARS1 is on the minus strand). VCF-style: chr16-70255740-G-C. GRCh37 (hg19) VCF-style: chr16-70289643-G-C.
Identifiers: ClinVar variation 2179685 (VCV002179685.4), dbSNP rs143430116, ClinGen allele CA8140498.

ClinVar aggregate classification (germline): Uncertain significance (1 of 4 stars; one submission).

Conditions:
Charcot-Marie-Tooth disease type 2. Also called: Charcot-Marie-Tooth type 2. Identifiers: Orphanet 64746, MedGen C0270914, MONDO:0018993.

Allele frequency attached by ClinVar (database versions not stated): ESP Exome Variant Server 0.00008.
gnomAD v4.1: 8 of 1,613,946 alleles (0.0005%); highest among the groups gnomAD compares: Non-Finnish European, 0.00068%; no homozygotes.

Submission:

Labcorp Genetics (formerly Invitae), Labcorp
Classification: Uncertain significance for Charcot-Marie-Tooth disease type 2. Last evaluated: 2022-11-05. Review status: criteria provided, single submitter. Criteria: Invitae Variant Classification Sherloc (09022015). Collection method: clinical testing. Allele origin: germline.
Comment: Algorithms developed to predict the effect of sequence changes on RNA splicing suggest that this variant may create or strengthen a splice site. In summary, the available evidence is currently insufficient to determine the role of this variant in disease. Therefore, it has been classified as a Variant of Uncertain Significance. This variant has not been reported in the literature in individuals affected with AARS-related conditions. This sequence change affects codon 758 of the AARS mRNA. It is a 'silent' change, meaning that it does not change the encoded amino acid sequence of the AARS protein. This variant is present in population databases (rs143430116, gnomAD 0.006%).